The following is an entry in ClinVar:

NM_015629.4(PRPF31):c.706G>A (p.Gly236Ser)

Gene: PRPF31 (pre-mRNA processing factor 31; plus strand). Cytogenetic location: 19q13.42.
Variant type: single nucleotide variant.
Coding change: c.706G>A on transcript NM_015629.4 (MANE Select); coding-DNA position 706, G replaced by A.
Protein change: p.Gly236Ser; replaces glycine 236 with serine.
Molecular consequence: missense variant.
Genome position (GRCh38, 1-based): chr19:54,124,507, G>A. VCF-style: chr19-54124507-G-A. GRCh37 (hg19) VCF-style: chr19-54627886-G-A.
Other names: short protein forms G236S.
Identifiers: ClinVar variation 893469 (VCV000893469.10), dbSNP rs1480395880, ClinGen allele CA407751048.

ClinVar aggregate classification (germline): Uncertain significance. Review status: criteria provided, multiple submitters, no conflicts (2 of 4 stars). 3 submissions from 3 submitters: Uncertain significance (3). Last evaluated 2022-10-04.

Conditions:
Retinitis pigmentosa (RP). Identifiers: Orphanet 791, MedGen C0035334, MeSH D012174, MONDO:0019200, OMIM 268000. Inheritance: Autosomal dominant, autosomal recessive and X linked inheritance.

Allele frequency attached by ClinVar (database versions not stated): gnomAD exomes 0.00001; TOPMed 0.00001.
gnomAD v4.1: 13 of 1,603,308 alleles (0.00081%); highest among the groups gnomAD compares: African/African-American, 0.0013%; no homozygotes.

Submissions (3):

Labcorp Genetics (formerly Invitae), Labcorp
Classification: Uncertain significance. Last evaluated: 2022-10-04. Review status: criteria provided, single submitter. Criteria: Invitae Variant Classification Sherloc (09022015). Collection method: clinical testing. Allele origin: germline.
Comment: This sequence change replaces glycine, which is neutral and non-polar, with serine, which is neutral and polar, at codon 236 of the PRPF31 protein (p.Gly236Ser). This variant is not present in population databases (gnomAD no frequency). This variant has not been reported in the literature in individuals affected with PRPF31-related conditions. ClinVar contains an entry for this variant (Variation ID: 893469). Algorithms developed to predict the effect of missense changes on protein structure and function (SIFT, PolyPhen-2, Align-GVGD) all suggest that this variant is likely to be disruptive. In summary, the available evidence is currently insufficient to determine the role of this variant in disease. Therefore, it has been classified as a Variant of Uncertain Significance.

GeneDx
Classification: Uncertain significance. Last evaluated: 2019-09-06. Review status: criteria provided, single submitter. Criteria: GeneDx Variant Classification Process June 2021. Collection method: clinical testing. Allele origin: germline. Affected: yes.
Comment: Not observed in large population cohorts (Lek et al., 2016); In silico analysis, which includes protein predictors and evolutionary conservation, supports a deleterious effect; Has not been previously published as pathogenic or benign to our knowledge

Illumina Laboratory Services, Illumina
Classification: Uncertain significance for Retinitis pigmentosa. Last evaluated: 2018-01-13. Review status: criteria provided, single submitter. Criteria: ICSL Variant Classification Criteria 13 December 2019. Collection method: clinical testing. Allele origin: germline.